The following is an entry in ClinVar:

NM_001035.3(RYR2):c.8965C>T (p.Pro2989Ser)

Gene: RYR2 (ryanodine receptor 2; plus strand). Cytogenetic location: 1q43.
Variant type: single nucleotide variant.
Coding change: c.8965C>T on transcript NM_001035.3 (MANE Select); coding-DNA position 8965, C replaced by T.
Protein change: p.Pro2989Ser; replaces proline 2989 with serine.
Molecular consequence: missense variant.
Genome position (GRCh38, 1-based): chr1:237,680,525, C>T. VCF-style: chr1-237680525-C-T. GRCh37 (hg19) VCF-style: chr1-237843825-C-T.
Other names: short protein forms P2989S.
Identifiers: ClinVar variation 2579468 (VCV002579468.1), dbSNP rs2547249480, ClinGen allele CA345404479.

ClinVar aggregate classification (germline): Uncertain significance (1 of 4 stars; one submission).

Submission:

GeneDx
Classification: Uncertain significance. Last evaluated: 2023-03-09. Review status: criteria provided, single submitter. Criteria: GeneDx Variant Classification Process June 2021. Collection method: clinical testing. Allele origin: germline. Affected: yes.
Comment: Not observed at significant frequency in large population cohorts (gnomAD); In silico analysis supports that this missense variant has a deleterious effect on protein structure/function; Has not been previously published as pathogenic or benign to our knowledge